The following is an entry in ClinVar:

ClinVar aggregate classification (germline): Uncertain significance. Review status: criteria provided, multiple submitters, no conflicts (2 of 4 stars). 2 submissions from 2 submitters: Uncertain significance (2). Last evaluated 2025-10-01.

Conditions:
Inborn genetic diseases. Identifiers: MedGen C0950123, MeSH D030342.

Allele frequency attached by ClinVar (database versions not stated): TOPMed 0.00001.
gnomAD v4.1: 1 of 1,613,912 alleles (0.000062%); highest among the groups gnomAD compares: Non-Finnish European, 0.000085%; no homozygotes.

Submissions (2):

CeGaT Center for Human Genetics Tuebingen
Classification: Uncertain significance. Last evaluated: 2025-10-01. Review status: criteria provided, single submitter. Criteria: CeGaT Center For Human Genetics Tuebingen Variant Classification Criteria Version 2. Collection method: clinical testing. Allele origin: germline. Affected: yes. Observed: 1 variant allele.
Comment: CAMTA1: PM2, BP4

Ambry Genetics
Classification: Uncertain significance for Inborn genetic diseases. Last evaluated: 2024-02-28. Review status: criteria provided, single submitter. Criteria: Ambry Variant Classification Scheme 2023. Collection method: clinical testing. Allele origin: germline.

NM_015215.4(CAMTA1):c.1342G>T (p.Gly448Cys)

Gene: CAMTA1 (calmodulin binding transcription activator 1; plus strand). Cytogenetic location: 1p36.23.
Variant type: single nucleotide variant.
Coding change: c.1342G>T on transcript NM_015215.4 (MANE Select); coding-DNA position 1342, G replaced by T.
Protein change: p.Gly448Cys; replaces glycine 448 with cysteine.
Molecular consequence: missense variant.
Genome position (GRCh38, 1-based): chr1:7,663,889, G>T. VCF-style: chr1-7663889-G-T. GRCh37 (hg19) VCF-style: chr1-7723949-G-T.
Other names: c.1252G>T, p.Gly418Cys (NM_001349608.2, NM_001349612.2); c.1342G>T, p.Gly448Cys (NM_001349609.2, NM_001349610.2, NM_001410737.1); c.1270G>T, p.Gly424Cys (NM_001410738.1); short protein forms G418C, G448C, G424C.
Identifiers: ClinVar variation 3136897 (VCV003136897.7), dbSNP rs1439677467, ClinGen allele CA338126902.